The following is an entry in ClinVar:

ClinVar aggregate classification (germline): Conflicting classifications of pathogenicity. Review status: criteria provided, conflicting classifications (1 of 4 stars). 2 submissions from 2 submitters: Likely pathogenic (1); Uncertain significance (1). Last evaluated 2022-12-23.

Conditions:
Cardiovascular phenotype. Identifiers: MedGen CN230736.
Autosomal recessive limb-girdle muscular dystrophy type 2J (LGMDR10). Also called: Limb-girdle muscular dystrophy, type 2J; MUSCULAR DYSTROPHY, LIMB-GIRDLE, AUTOSOMAL RECESSIVE 10. Identifiers: Orphanet 140922, MedGen C1837342, MONDO:0012127, OMIM 608807.
Dilated cardiomyopathy 1G (CMD1G). Identifiers: Orphanet 154, MedGen C1858763, MONDO:0011400, OMIM 604145.

Submissions (2):

Labcorp Genetics (formerly Invitae), Labcorp
Classification: Likely pathogenic for Dilated cardiomyopathy 1G; Autosomal recessive limb-girdle muscular dystrophy type 2J. Last evaluated: 2022-12-23. Review status: criteria provided, single submitter. Criteria: Invitae Variant Classification Sherloc (09022015). Collection method: clinical testing. Allele origin: germline.
Comment: This sequence change affects an acceptor splice site in intron 268 of the TTN gene. It is expected to disrupt RNA splicing and likely results in a truncated or disrupted TTN protein. This variant is not present in population databases (gnomAD no frequency). This variant has not been reported in the literature in individuals affected with TTN-related conditions. Algorithms developed to predict the effect of sequence changes on RNA splicing suggest that this variant may disrupt the consensus splice site. In summary, the currently available evidence indicates that the variant is pathogenic, but additional data are needed to prove that conclusively. Therefore, this variant has been classified as Likely Pathogenic. This variant is located in the A band of TTN (PMID: 25589632). Truncating variants in this region are significantly overrepresented in patients affected with dilated cardiomyopathy (PMID: 25589632). Truncating variants in this region have also been reported in individuals affected with autosomal recessive centronuclear myopathy (PMID: 23975875).

Ambry Genetics
Classification: Uncertain significance for Cardiovascular phenotype. Last evaluated: 2022-11-17. Review status: criteria provided, single submitter. Criteria: Ambry Variant Classification Scheme 2023. Collection method: clinical testing. Allele origin: germline.
Comment: The c.23357-1G>A intronic variant results from a G to A substitution one nucleotide upstream from coding exon 96 of the TTN gene. Exon 96 is located in the A-band region of the N2-B isoform of the titin protein and is constitutively expressed in TTN transcripts (percent spliced in or PSI 100%). This variant is considered to be rare based on population cohorts in the Genome Aggregation Database (gnomAD). This alteration disrupts the canonical splice site and is expected to cause aberrant splicing. However, although direct evidence is unavailable, this alteration is predicted to result in an in-frame transcript that is not expected to trigger nonsense-mediated mRNA decay. The exact functional effect of the predicted splice impact is unknown. Since supporting evidence is limited at this time, the clinical significance of this alteration remains unclear.

Literature cited by the submitters: PubMed 25589632 (cited by Labcorp Genetics (formerly Invitae), Labcorp); PubMed 23975875 (cited by Labcorp Genetics (formerly Invitae), Labcorp).

NM_001267550.2(TTN):c.50552-1G>A

Genes: TTN (titin; minus strand), TTN-AS1 (TTN antisense RNA 1; plus strand). Cytogenetic location: 2q31.2.
Variant type: single nucleotide variant.
Coding change: c.50552-1G>A on transcript NM_001267550.2 (MANE Select); the canonical splice acceptor site of the intron before coding-DNA position 50552, G replaced by A.
Molecular consequence: splice acceptor variant.
Genome position (GRCh38, 1-based): chr2:178,611,678, C>T on the plus strand (G>A on the coding strand, the complement: TTN is on the minus strand). VCF-style: chr2-178611678-C-T. GRCh37 (hg19) VCF-style: chr2-179476405-C-T.
Other names: c.23357-1G>A (NM_003319.4); c.23933-1G>A (NM_133437.4); c.23732-1G>A (NM_133432.3); c.42848-1G>A (NM_133378.4); c.45629-1G>A (NM_001256850.1).
Identifiers: ClinVar variation 2451849 (VCV002451849.5), dbSNP rs2470501907, ClinGen allele CA349595354.
Genomic context (GRCh38, chr2:178,611,678, plus strand): 5'-TGGCAATGTGTTTTCTCCCAGCATCAGTCACATGTAGGTCAAGGGGTGGTGAGGGAGGAC[C>T]TGAGAAAAGAGTGAAATATTCATATCCACAGTCTCATCAAGTTCTAGACAATATCTTGTG-3'